The following is an entry in ClinVar:

NM_015378.4(VPS13D):c.8538A>G (p.Pro2846=)

Gene: VPS13D (vacuolar protein sorting 13 homolog D; plus strand). Cytogenetic location: 1p36.22.
Variant type: single nucleotide variant.
Coding change: c.8538A>G on transcript NM_015378.4 (MANE Select); coding-DNA position 8538, A replaced by G.
Protein change: p.Pro2846=; no amino-acid change (proline 2846 retained).
Molecular consequence: synonymous variant.
Genome position (GRCh38, 1-based): chr1:12,335,814, A>G. VCF-style: chr1-12335814-A-G. GRCh37 (hg19) VCF-style: chr1-12395871-A-G.
Other names: c.8538A>G, p.Pro2846= (NM_018156.4).
Identifiers: ClinVar variation 1569492 (VCV001569492.12), dbSNP rs773943252, ClinGen allele CA603141.

ClinVar aggregate classification (germline): Likely benign. Review status: criteria provided, multiple submitters, no conflicts (2 of 4 stars). 2 submissions from 2 submitters: Likely benign (2). Last evaluated 2026-03-01.

Allele frequency attached by ClinVar (database versions not stated): ExAC 0.00001; TOPMed 0.00002; gnomAD 0.00003; gnomAD exomes 0.00003 and 0.00004.
gnomAD v4.1: 60 of 1,614,036 alleles (0.0037%); highest among the groups gnomAD compares: Non-Finnish European, 0.0047%; no homozygotes.

Submissions (2):

CeGaT Center for Human Genetics Tuebingen
Classification: Likely benign. Last evaluated: 2026-03-01. Review status: criteria provided, single submitter. Criteria: CeGaT Center For Human Genetics Tuebingen Variant Classification Criteria Version 2. Collection method: clinical testing. Allele origin: germline. Affected: yes. Observed: 1 variant allele.
Comment: VPS13D: BP4, BP7

Labcorp Genetics (formerly Invitae), Labcorp
Classification: Likely benign. Last evaluated: 2025-08-17. Review status: criteria provided, single submitter. Criteria: Invitae Variant Classification Sherloc (09022015). Collection method: clinical testing. Allele origin: germline.